The following is an entry in ClinVar:

NM_000143.4(FH):c.6C>T (p.Tyr2=)

Gene: FH (fumarate hydratase; minus strand). Cytogenetic location: 1q43.
Variant type: single nucleotide variant.
Coding change: c.6C>T on transcript NM_000143.4 (MANE Select); coding-DNA position 6, C replaced by T.
Protein change: p.Tyr2=; no amino-acid change (tyrosine 2 retained).
Molecular consequence: synonymous variant.
Genome position (GRCh38, 1-based): chr1:241,519,717, G>A on the plus strand (C>T on the coding strand, the complement: FH is on the minus strand). VCF-style: chr1-241519717-G-A. GRCh37 (hg19) VCF-style: chr1-241683017-G-A.
Identifiers: ClinVar variation 184570 (VCV000184570.49), dbSNP rs199971078, ClinGen allele CA189328.

ClinVar aggregate classification (germline): Benign/Likely benign. Review status: criteria provided, multiple submitters, no conflicts (2 of 4 stars). 12 submissions from 12 submitters: Benign (5); Likely benign (6). 1 of the submissions does not count toward it. Last evaluated 2026-09-01.

Conditions:
Hereditary cancer-predisposing syndrome. Also called: Hereditary neoplastic syndrome; Tumor predisposition; Neoplastic Syndromes, Hereditary; Hereditary Cancer Syndrome. Identifiers: Orphanet 140162, MedGen C0027672, MeSH D009386, MONDO:0015356.
Hereditary leiomyomatosis and renal cell cancer. Also called: LEIOMYOMA, MULTIPLE CUTANEOUS; FH tumor predisposition syndrome; MULTIPLE CUTANEOUS AND UTERINE LEIOMYOMATA 1, WITH OR WITHOUT RENAL CELL CARCINOMA; Familial leiomyomatosis; Reed syndrome; Multiple cutaneous and uterine leiomyomatosis. Identifiers: Orphanet 523, MedGen C1708350, MONDO:0007888, OMIM 150800, HP:0007437. Disease mechanism: loss of function.

Allele frequency attached by ClinVar (database versions not stated): TOPMed 0.00010; gnomAD 0.00011 and 0.00013; gnomAD exomes 0.00030; ExAC 0.00068.
gnomAD v4.1: 199 of 1,544,456 alleles (0.013%); highest among the groups gnomAD compares: Middle Eastern, 0.044%; no homozygotes.

Submissions (12):

CeGaT Center for Human Genetics Tuebingen
Classification: Likely benign. Last evaluated: 2026-09-01. Review status: criteria provided, single submitter. Criteria: CeGaT Center For Human Genetics Tuebingen Variant Classification Criteria Version 2. Collection method: clinical testing. Allele origin: germline. Affected: yes. Observed: 9 variant alleles.
Comment: FH: BP4, BP7

Labcorp Genetics (formerly Invitae), Labcorp
Classification: Benign. Last evaluated: 2026-02-03. Review status: criteria provided, single submitter. Criteria: Invitae Variant Classification Sherloc (09022015). Collection method: clinical testing. Allele origin: germline.

Center for Genomic Medicine, Rigshospitalet, Copenhagen University Hospital
Classification: Likely benign. Last evaluated: 2025-03-04. Review status: criteria provided, single submitter. Criteria: ACMG Guidelines, 2015. Collection method: clinical testing. Allele origin: germline.

KCCC/NGS Laboratory, Kuwait Cancer Control Center
Classification: Benign for Hereditary leiomyomatosis and renal cell cancer. Last evaluated: 2025-02-01. Review status: criteria provided, single submitter. Criteria: ACMG Guidelines, 2015. Collection method: clinical testing. Allele origin: germline. Affected: no.

Myriad Genetics, Inc.
Classification: Benign for Hereditary leiomyomatosis and renal cell cancer. Last evaluated: 2024-10-17. Review status: criteria provided, single submitter. Criteria: Myriad Autosomal Dominant, Autosomal Recessive and X-Linked Classification Criteria (2023). Collection method: clinical testing. Allele origin: unknown.
Comment: This variant is considered benign. This variant is a silent/synonymous amino acid change and it is not expected to impact splicing.

Blueprint Genetics
Classification: Likely benign. Last evaluated: 2024-09-13. Review status: criteria provided, single submitter. Criteria: ACMG Guidelines, 2015. Collection method: clinical testing. Allele origin: germline.

Quest Diagnostics Nichols Institute San Juan Capistrano
Classification: Benign. Last evaluated: 2023-06-22. Review status: criteria provided, single submitter. Criteria: Quest Diagnostics criteria. Collection method: clinical testing. Allele origin: unknown.

Sema4
Classification: Benign for Hereditary cancer-predisposing syndrome. Last evaluated: 2021-07-12. Review status: criteria provided, single submitter. Criteria: Sema4 Curation Guidelines. Collection method: curation. Allele origin: germline.

GeneDx
Classification: Likely benign. Last evaluated: 2017-07-10. Review status: criteria provided, single submitter. Criteria: GeneDx Variant Classification (06012015). Collection method: clinical testing. Allele origin: germline. Affected: yes.
Comment: This variant is considered likely benign or benign based on one or more of the following criteria: it is a conservative change, it occurs at a poorly conserved position in the protein, it is predicted to be benign by multiple in silico algorithms, and/or has population frequency not consistent with disease.

Ambry Genetics
Classification: Likely benign for Hereditary cancer-predisposing syndrome. Last evaluated: 2014-07-15. Review status: criteria provided, single submitter. Criteria: Ambry Variant Classification Scheme 2023. Collection method: clinical testing. Allele origin: germline.

PreventionGenetics, part of Exact Sciences
Classification: Likely benign. Review status: criteria provided, single submitter. Criteria: ACMG Guidelines, 2015. Collection method: clinical testing. Allele origin: germline.

Mayo Clinic Laboratories, Mayo Clinic
Classification: Likely benign. Last evaluated: 2016-03-14. Review status: no assertion criteria provided. Collection method: clinical testing. Allele origin: unknown. Not counted in ClinVar's aggregate classification.